The following is an entry in ClinVar:

ClinVar aggregate classification (germline): Likely benign (1 of 4 stars; one submission).

Allele frequency attached by ClinVar (database versions not stated): gnomAD exomes 0.00010; ExAC 0.00025; 1000 Genomes Project 30x 0.00187; 1000 Genomes Project 0.09724.

Submission:

CeGaT Center for Human Genetics Tuebingen
Classification: Likely benign. Last evaluated: 2025-01-01. Review status: criteria provided, single submitter. Criteria: CeGaT Center For Human Genetics Tuebingen Variant Classification Criteria Version 2. Collection method: clinical testing. Allele origin: germline. Affected: yes. Observed: 5 variant alleles.
Comment: AHNAK2: BP4, BP7

NM_138420.4(AHNAK2):c.6165G>A (p.Lys2055=)

Gene: AHNAK2 (AHNAK nucleoprotein 2; minus strand). Cytogenetic location: 14q32.33.
Variant type: single nucleotide variant.
Coding change: c.6165G>A on transcript NM_138420.4 (MANE Select); coding-DNA position 6165, G replaced by A.
Protein change: p.Lys2055=; no amino-acid change (lysine 2055 retained).
Molecular consequence: synonymous variant.
Genome position (GRCh38, 1-based): chr14:104,949,286, C>T on the plus strand (G>A on the coding strand, the complement: AHNAK2 is on the minus strand). VCF-style: chr14-104949286-C-T. GRCh37 (hg19) VCF-style: chr14-105415623-C-T.
Other names: c.5865G>A, p.Lys1955= (NM_001350929.2).
Identifiers: ClinVar variation 2644750 (VCV002644750.24), dbSNP rs527594054, ClinGen allele CA7381303.